The following is an entry in ClinVar:

NM_002074.5(GNB1):c.700T>C (p.Phe234Leu)

Gene: GNB1 (G protein subunit beta 1; minus strand). Cytogenetic location: 1p36.33.
Variant type: single nucleotide variant.
Coding change: c.700T>C on transcript NM_002074.5 (MANE Select); coding-DNA position 700, T replaced by C.
Protein change: p.Phe234Leu; replaces phenylalanine 234 with leucine.
Molecular consequence: missense variant.
Genome position (GRCh38, 1-based): chr1:1,789,269, A>G on the plus strand (T>C on the coding strand, the complement: GNB1 is on the minus strand). VCF-style: chr1-1789269-A-G. GRCh37 (hg19) VCF-style: chr1-1720708-A-G.
Other names: c.400T>C, p.Phe134Leu (NM_001282538.2); c.700T>C, p.Phe234Leu (NM_001282539.2); short protein forms F234L, F134L.
Identifiers: ClinVar variation 2837934 (VCV002837934.3), dbSNP rs2522194237, ClinGen allele CA337905099.

ClinVar aggregate classification (germline): Uncertain significance (1 of 4 stars; one submission).

Submission:

Labcorp Genetics (formerly Invitae), Labcorp
Classification: Uncertain significance. Last evaluated: 2023-02-16. Review status: criteria provided, single submitter. Criteria: Invitae Variant Classification Sherloc (09022015). Collection method: clinical testing. Allele origin: germline.
Comment: This sequence change replaces phenylalanine, which is neutral and non-polar, with leucine, which is neutral and non-polar, at codon 234 of the GNB1 protein (p.Phe234Leu). This variant is not present in population databases (gnomAD no frequency). This variant has not been reported in the literature in individuals affected with GNB1-related conditions. An algorithm developed to predict the effect of missense changes on protein structure and function (PolyPhen-2) suggests that this variant is likely to be tolerated. In summary, the available evidence is currently insufficient to determine the role of this variant in disease. Therefore, it has been classified as a Variant of Uncertain Significance.